The following is an entry in ClinVar:

NM_000361.3(THBD):c.1439G>A (p.Cys480Tyr)

Gene: THBD (thrombomodulin; minus strand). Cytogenetic location: 20p11.21.
Variant type: single nucleotide variant.
Coding change: c.1439G>A on transcript NM_000361.3 (MANE Select); coding-DNA position 1439, G replaced by A.
Protein change: p.Cys480Tyr; replaces cysteine 480 with tyrosine.
Molecular consequence: missense variant.
Genome position (GRCh38, 1-based): chr20:23,048,066, C>T on the plus strand (G>A on the coding strand, the complement: THBD is on the minus strand). VCF-style: chr20-23048066-C-T. GRCh37 (hg19) VCF-style: chr20-23028703-C-T.
Other names: short protein forms C480Y.
Identifiers: ClinVar variation 2876943 (VCV002876943.3), dbSNP rs2515203003, ClinGen allele CA408405519.

ClinVar aggregate classification (germline): Uncertain significance (1 of 4 stars; one submission).

Submission:

Labcorp Genetics (formerly Invitae), Labcorp
Classification: Uncertain significance. Last evaluated: 2023-08-04. Review status: criteria provided, single submitter. Criteria: Invitae Variant Classification Sherloc (09022015). Collection method: clinical testing. Allele origin: germline.
Comment: This variant is not present in population databases (gnomAD no frequency). In summary, the available evidence is currently insufficient to determine the role of this variant in disease. Therefore, it has been classified as a Variant of Uncertain Significance. Advanced modeling of protein sequence and biophysical properties (such as structural, functional, and spatial information, amino acid conservation, physicochemical variation, residue mobility, and thermodynamic stability) performed at Invitae indicates that this missense variant is expected to disrupt THBD protein function. This variant has not been reported in the literature in individuals affected with THBD-related conditions. This sequence change replaces cysteine, which is neutral and slightly polar, with tyrosine, which is neutral and polar, at codon 480 of the THBD protein (p.Cys480Tyr).